The following is an entry in ClinVar:

NM_000363.5(TNNI3):c.372+4G>A

Gene: TNNI3 (troponin I3, cardiac type; minus strand). Cytogenetic location: 19q13.42.
Variant type: single nucleotide variant.
Coding change: c.372+4G>A on transcript NM_000363.5 (MANE Select); 4 bases into the intron after coding-DNA position 372, G replaced by A.
Molecular consequence: intron variant.
Genome position (GRCh38, 1-based): chr19:55,154,737, C>T on the plus strand (G>A on the coding strand, the complement: TNNI3 is on the minus strand). VCF-style: chr19-55154737-C-T. GRCh37 (hg19) VCF-style: chr19-55666105-C-T.
Identifiers: ClinVar variation 3893702 (VCV003893702.2).

ClinVar aggregate classification (germline): Uncertain significance. Review status: criteria provided, multiple submitters, no conflicts (2 of 4 stars). 2 submissions from 2 submitters: Uncertain significance (2). Last evaluated 2025-06-14.

Conditions:
Hypertrophic cardiomyopathy. Also called: HYPERTROPHIC MYOCARDIOPATHY. Identifiers: Orphanet 217569, MedGen C0007194, MeSH D002312, MONDO:0005045, HP:0001639.
Cardiomyopathy (CMYO). Also called: Cardiomyopathies. Identifiers: Orphanet 167848, MedGen C0878544, MONDO:0004994, HP:0001638. Inheritance: Various modes of inheritance.

gnomAD v4.1: 2 of 1,613,946 alleles (0.00012%); highest among the groups gnomAD compares: East Asian, 0.0045%; no homozygotes.

Submissions (2):

Labcorp Genetics (formerly Invitae), Labcorp
Classification: Uncertain significance for Hypertrophic cardiomyopathy. Last evaluated: 2025-06-14. Review status: criteria provided, single submitter. Criteria: Invitae Variant Classification Sherloc (09022015). Collection method: clinical testing. Allele origin: germline.
Comment: This sequence change falls in intron 6 of the TNNI3 gene. It does not directly change the encoded amino acid sequence of the TNNI3 protein. It affects a nucleotide within the consensus splice site. This variant is not present in population databases (gnomAD no frequency). This variant has not been reported in the literature in individuals affected with TNNI3-related conditions. ClinVar contains an entry for this variant (Variation ID: 3893702). Variants that disrupt the consensus splice site are a relatively common cause of aberrant splicing (PMID: 17576681, 9536098). Algorithms developed to predict the effect of sequence changes on RNA splicing suggest that this variant is not likely to affect RNA splicing. In summary, the available evidence is currently insufficient to determine the role of this variant in disease. Therefore, it has been classified as a Variant of Uncertain Significance.

Color Diagnostics, LLC DBA Color Health
Classification: Uncertain significance for Cardiomyopathy. Last evaluated: 2024-10-29. Review status: criteria provided, single submitter. Criteria: ACMG Guidelines, 2015. Collection method: clinical testing. Allele origin: germline.
Comment: This variant causes a G to A nucleotide substitution at the +4 position of intron 6 of the TNNI3 gene. To our knowledge, functional studies have not been reported for this variant. This variant has not been reported in individuals affected with TNNI3-related disorders in the literature. This variant has not been identified in the general population by the Genome Aggregation Database (gnomAD). The available evidence is insufficient to determine the role of this variant in disease conclusively. Therefore, this variant is classified as a Variant of Uncertain Significance.

Literature cited by the submitters: PubMed 17576681 (cited by Labcorp Genetics (formerly Invitae), Labcorp); PubMed 9536098 (cited by Labcorp Genetics (formerly Invitae), Labcorp).